The following is an entry in ClinVar:

NM_020693.4(DSCAML1):c.559G>A (p.Val187Ile)

Gene: DSCAML1 (DS cell adhesion molecule like 1; minus strand). Cytogenetic location: 11q23.3.
Variant type: single nucleotide variant.
Coding change: c.559G>A on transcript NM_020693.4 (MANE Select); coding-DNA position 559, G replaced by A.
Protein change: p.Val187Ile; replaces valine 187 with isoleucine.
Molecular consequence: missense variant.
Genome position (GRCh38, 1-based): chr11:117,532,475, C>T on the plus strand (G>A on the coding strand, the complement: DSCAML1 is on the minus strand). VCF-style: chr11-117532475-C-T. GRCh37 (hg19) VCF-style: chr11-117403190-C-T.
Other names: c.559G>A, p.Val187Ile (NM_001367904.1); c.151G>A, p.Val51Ile (NM_001367905.1); short protein forms V187I, V51I.
Identifiers: ClinVar variation 1925329 (VCV001925329.5), dbSNP rs754760476, ClinGen allele CA6297516.

ClinVar aggregate classification (germline): Uncertain significance (1 of 4 stars; one submission).

Allele frequency attached by ClinVar (database versions not stated): gnomAD 0.00001; ExAC 0.00002.
gnomAD v4.1: 20 of 1,614,072 alleles (0.0012%); highest among the groups gnomAD compares: African/African-American, 0.0027%; no homozygotes.

Submission:

Labcorp Genetics (formerly Invitae), Labcorp
Classification: Uncertain significance. Last evaluated: 2022-11-29. Review status: criteria provided, single submitter. Criteria: Invitae Variant Classification Sherloc (09022015). Collection method: clinical testing. Allele origin: germline.
Comment: This sequence change replaces valine, which is neutral and non-polar, with isoleucine, which is neutral and non-polar, at codon 247 of the DSCAML1 protein (p.Val247Ile). This variant is present in population databases (rs754760476, gnomAD 0.008%). This missense change has been observed in individual(s) with DSCAML1-related disease (PMID: 33501714). Algorithms developed to predict the effect of missense changes on protein structure and function are either unavailable or do not agree on the potential impact of this missense change (SIFT: "Deleterious"; PolyPhen-2: "Probably Damaging"; Align-GVGD: "Class C0"). In summary, the available evidence is currently insufficient to determine the role of this variant in disease. Therefore, it has been classified as a Variant of Uncertain Significance.

Literature cited by the submitters: PubMed 33501714.